The following is an entry in ClinVar:

ClinVar aggregate classification (germline): Uncertain significance (1 of 4 stars; one submission).

Conditions:
Legius syndrome. Identifiers: Orphanet 137605, MedGen C1969623, MONDO:0012669, OMIM 611431. Disease mechanism: loss of function.

Submission:

Labcorp Genetics (formerly Invitae), Labcorp
Classification: Uncertain significance for Legius syndrome. Last evaluated: 2024-10-06. Review status: criteria provided, single submitter. Criteria: Invitae Variant Classification Sherloc (09022015). Collection method: clinical testing. Allele origin: germline.
Comment: This sequence change falls in intron 2 of the SPRED1 gene. It does not directly change the encoded amino acid sequence of the SPRED1 protein. It affects a nucleotide within the consensus splice site. This variant is not present in population databases (gnomAD no frequency). This variant has not been reported in the literature in individuals affected with SPRED1-related conditions. Variants that disrupt the consensus splice site are a relatively common cause of aberrant splicing (PMID: 17576681, 9536098). Algorithms developed to predict the effect of sequence changes on RNA splicing suggest that this variant is not likely to affect RNA splicing. In summary, the available evidence is currently insufficient to determine the role of this variant in disease. Therefore, it has been classified as a Variant of Uncertain Significance.

Literature cited by the submitters: PubMed 17576681; PubMed 9536098.

NM_152594.3(SPRED1):c.207+5T>C

Gene: SPRED1 (sprouty related EVH1 domain containing 1; plus strand). Cytogenetic location: 15q14.
Variant type: single nucleotide variant.
Coding change: c.207+5T>C on transcript NM_152594.3 (MANE Select); 5 bases into the intron after coding-DNA position 207, T replaced by C.
Molecular consequence: intron variant.
Genome position (GRCh38, 1-based): chr15:38,299,552, T>C. VCF-style: chr15-38299552-T-C. GRCh37 (hg19) VCF-style: chr15-38591753-T-C.
Identifiers: ClinVar variation 3710541 (VCV003710541.2).